The following is an entry in ClinVar:

ClinVar aggregate classification (germline): Likely benign (1 of 4 stars; one submission).

Submission:

CeGaT Center for Human Genetics Tuebingen
Classification: Likely benign. Last evaluated: 2026-03-01. Review status: criteria provided, single submitter. Criteria: CeGaT Center For Human Genetics Tuebingen Variant Classification Criteria Version 2. Collection method: clinical testing. Allele origin: germline. Affected: yes. Observed: 4 variant alleles.
Comment: BEAN1: BS2

NM_001197224.4(BEAN1):c.152-2505_152-2503del

Gene: BEAN1 (brain expressed associated with NEDD4 1; plus strand). Cytogenetic location: 16q21.
Variant type: Microsatellite.
Coding change: c.152-2505_152-2503del on transcript NM_001197224.4; 2505 bases into the intron before coding-DNA position 152 through 2503 bases into the intron before coding-DNA position 152, 3 bases deleted (TAA; older notation c.152-2505_152-2503delTAA).
Molecular consequence: intron variant.
Genome position (GRCh38, 1-based): chr16:66,490,457-66,490,459, TAA deleted; deleting any 3 consecutive bases within chr16:66,490,452-66,490,459 gives the same sequence; the c. name uses the placement nearest the transcript's 3' end. VCF-style (leftmost placement, unchanged base first): chr16-66490451-AAAT-A. GRCh37 (hg19) VCF-style: chr16-66524354-AAAT-A.
Identifiers: ClinVar variation 4085059 (VCV004085059.8).
Genomic context (GRCh38, chr16:66,490,451, plus strand): 5'-TGTTTCAATAAAATAAAATAAAATAAAATAAAATAAAATAAAATAAAATAAAATAAAATA[AAAT>A]AATAAAATAAAAAGAAACCTCTAAATTGATTGAGATCTGCCTCCGACACTTTTCAATTTA-3'